The following is an entry in ClinVar:

ClinVar aggregate classification (germline): Pathogenic/Likely pathogenic. Review status: criteria provided, multiple submitters, no conflicts (2 of 4 stars). 3 submissions from 3 submitters: Pathogenic (1); Likely pathogenic (1). 1 of the submissions does not count toward it. Last evaluated 2021-09-05.

Conditions:
Spastic paraplegia. Identifiers: MedGen C0037772, HP:0001258.
Charlevoix-Saguenay spastic ataxia (SACS). Also called: SPASTIC ATAXIA 6, AUTOSOMAL RECESSIVE; Spastic ataxia of Charlevoix-Saguenay; AUTOSOMAL RECESSIVE SPASTIC ATAXIA OF CHARLEVOIX-SAGUENAY. Identifiers: Orphanet 98, MedGen C1849140, MONDO:0010041, OMIM 270550.

Submissions (3):

Genome-Nilou Lab
Classification: Likely pathogenic for Charlevoix-Saguenay spastic ataxia. Last evaluated: 2021-09-05. Review status: criteria provided, single submitter. Criteria: ACMG Guidelines, 2015. Collection method: clinical testing. Allele origin: germline. Affected: no.

Labcorp Genetics (formerly Invitae), Labcorp
Classification: Pathogenic for Spastic paraplegia. Last evaluated: 2021-07-28. Review status: criteria provided, single submitter. Criteria: Invitae Variant Classification Sherloc (09022015). Collection method: clinical testing. Allele origin: germline.
Comment: This variant has not been reported in the literature in individuals with SACS-related conditions. ClinVar contains an entry for this variant (Variation ID: 552280). For these reasons, this variant has been classified as Pathogenic. This variant disrupts the C-terminus of the SACS protein. Other variant(s) that disrupt this region (p.Leu4303*) have been determined to be pathogenic (PMID: 23497566, 26288984, 16944349). This suggests that variants that disrupt this region of the protein are likely to be causative of disease. This variant is not present in population databases (ExAC no frequency). This sequence change results in a premature translational stop signal in the SACS gene (p.Lys900Argfs*9). While this is not anticipated to result in nonsense mediated decay, it is expected to disrupt the last 3680 amino acids of the SACS protein.

Counsyl
Classification: Likely pathogenic for Charlevoix-Saguenay spastic ataxia. Last evaluated: 2017-06-01. Review status: no assertion criteria provided. Collection method: clinical testing. Allele origin: unknown. Not counted in ClinVar's aggregate classification.

Literature cited by the submitters: PubMed 23497566 (cited by Labcorp Genetics (formerly Invitae), Labcorp); PubMed 26288984 (cited by Labcorp Genetics (formerly Invitae), Labcorp); PubMed 16944349 (cited by Labcorp Genetics (formerly Invitae), Labcorp).

NM_014363.6(SACS):c.2699_2700del (p.Lys900fs)

Gene: SACS (sacsin molecular chaperone; minus strand). Cytogenetic location: 13q12.12.
Variant type: Deletion.
Coding change: c.2699_2700del on transcript NM_014363.6 (MANE Select); coding-DNA positions 2699 to 2700, 2 bases deleted (AA; older notation c.2699_2700delAA).
Protein change: p.Lys900fs; shifts the reading frame from lysine 900.
Molecular consequence: frameshift variant.
Genome position (GRCh38, 1-based): chr13:23,341,176-23,341,177, TT deleted on the plus strand (AA on the coding strand, the reverse complement: SACS is on the minus strand); deleting any 2 consecutive bases within chr13:23,341,176-23,341,178 gives the same sequence; the c. name uses the placement nearest the transcript's 3' end. VCF-style (leftmost placement, unchanged base first): chr13-23341175-CTT-C. GRCh37 (hg19) VCF-style: chr13-23915314-CTT-C.
Other names: c.2258_2259del, p.Lys753fs (NM_001278055.2); short protein forms K753fs, K900fs.
Identifiers: ClinVar variation 552280 (VCV000552280.12), dbSNP rs1167474602, ClinGen allele CA658823487.